The following is an entry in ClinVar:

NM_000540.3(RYR1):c.14097G>A (p.Lys4699=)

Gene: RYR1 (ryanodine receptor 1; plus strand). Cytogenetic location: 19q13.2.
Variant type: single nucleotide variant.
Coding change: c.14097G>A on transcript NM_000540.3 (MANE Select); coding-DNA position 14097, G replaced by A.
Protein change: p.Lys4699=; no amino-acid change (lysine 4699 retained).
Molecular consequence: synonymous variant.
Genome position (GRCh38, 1-based): chr19:38,573,275, G>A. VCF-style: chr19-38573275-G-A. GRCh37 (hg19) VCF-style: chr19-39063915-G-A.
Other names: c.14082G>A, p.Lys4694= (NM_001042723.2).
Identifiers: ClinVar variation 2899995 (VCV002899995.4), dbSNP rs1162281968, ClinGen allele CA507245176.

ClinVar aggregate classification (germline): Likely benign. Review status: criteria provided, multiple submitters, no conflicts (2 of 4 stars). 2 submissions from 2 submitters: Likely benign (2). Last evaluated 2025-06-14.

Conditions:
Malignant hyperthermia, susceptibility to, 1 (MHS1). Also called: Malignant hyperthermia suceptibility 1; Anesthesia related hyperthermia; Malignant hyperpyrexia; Fulminating hyperpyrexia; Pharmacogenic myopathy; RYR1-Related Malignant Hyperthermia Susceptibility. Identifiers: Orphanet 423, MedGen C2930980, MONDO:0007783, OMIM 145600.
RYR1-related disorder. Also called: RYR1-related condition; RYR1-related disorders. Identifiers: MedGen CN239331.

Allele frequency attached by ClinVar (database versions not stated): TOPMed below 0.00001.
gnomAD v4.1: 1 of 1,613,958 alleles (0.000062%); highest among the groups gnomAD compares: Admixed American, 0.0017%; no homozygotes.

Submissions (2):

Labcorp Genetics (formerly Invitae), Labcorp
Classification: Likely benign for RYR1-related disorder. Last evaluated: 2025-06-14. Review status: criteria provided, single submitter. Criteria: Invitae Variant Classification Sherloc (09022015). Collection method: clinical testing. Allele origin: germline.

All of Us Research Program, National Institutes of Health
Classification: Likely benign for Malignant hyperthermia, susceptibility to, 1. Last evaluated: 2023-06-26. Review status: criteria provided, single submitter. Criteria: ACMG Guidelines, 2015. Collection method: clinical testing. Allele origin: germline. Inheritance: Autosomal dominant inheritance. Observed: 2 variant alleles, 2 heterozygotes.
Comment: This study involves interpretation of variants in research participants for the purpose of population health screening. Participant phenotype was not available at the time of variant classification. Additional details can be found in publication PMID: 35346344, PMCID: PMC8962531